The following is an entry in ClinVar:

NM_015272.5(RPGRIP1L):c.71dup (p.Met24fs)

Gene: RPGRIP1L (RPGRIP1 like; minus strand). Cytogenetic location: 16q12.2.
Variant type: Duplication.
Coding change: c.71dup on transcript NM_015272.5 (MANE Select); coding-DNA position 71, one base duplicated (T; older notation c.71dupT).
Protein change: p.Met24fs; shifts the reading frame from methionine 24.
Molecular consequence: frameshift variant.
Genome position (GRCh38, 1-based): chr16:53,700,653, A duplicated on the plus strand (T on the coding strand, the reverse complement: RPGRIP1L is on the minus strand). VCF-style (leftmost placement, unchanged base first): chr16-53700652-C-CA. GRCh37 (hg19) VCF-style: chr16-53734564-C-CA.
Other names: c.71dup, p.Met24fs (NM_001127897.4, NM_001308334.3, NM_001328422.2 and 2 more transcripts); c.71dup (NM_015272.4, NM_015272.2); c.71dupT (NM_015272.4); short protein forms M24fs.
Identifiers: ClinVar variation 1453353 (VCV001453353.13), dbSNP rs990678342, ClinGen allele CA281380089.

ClinVar aggregate classification (germline): Pathogenic/Likely pathogenic. Review status: criteria provided, multiple submitters, no conflicts (2 of 4 stars). 6 submissions from 6 submitters: Pathogenic (1); Likely pathogenic (4). 1 of the submissions does not count toward it. Last evaluated 2024-05-23.

Conditions:
Meckel syndrome, type 5 (MKS5). Identifiers: Orphanet 564, MedGen C1969052, MONDO:0012695, OMIM 611561.
COACH syndrome 3. Identifiers: MedGen C5436841, MONDO:0030862, OMIM 619113.
Joubert syndrome 7 (JBTS7). Identifiers: Orphanet 220497, MedGen C1969053, MONDO:0012694, OMIM 611560.
Joubert syndrome. Also called: Familial aplasia of the vermis; JOUBERT-BOLTSHAUSER SYNDROME. Identifiers: Orphanet 475, MedGen C5979921, MONDO:0018772.
Meckel-Gruber syndrome. Also called: DYSENCEPHALIA SPLANCHNOCYSTICA; GRUBER SYNDROME; Dysencephalia splachnocystica. Identifiers: Orphanet 564, MedGen C0265215, MONDO:0018921.
RPGRIP1L-related disorder. Also called: RPGRIP1L-related condition; RPGRIP1L-related disorders. Identifiers: MedGen CN239416.

Allele frequency attached by ClinVar (database versions not stated): gnomAD exomes below 0.00001; gnomAD 0.00001; TOPMed 0.00001.

Submissions (6):

Natera, Inc.
Classification: Likely pathogenic for Joubert syndrome. Last evaluated: 2024-05-23. Review status: criteria provided, single submitter. Criteria: Natera Variant Classification Schema (03/2026). Collection method: clinical testing. Allele origin: germline.
Comment: The c.71dup variant in RPGRIP1L is a frameshift variant predicted to shift the reading frame beginning at codon 24 and leads to a stop codon 25 codons downstream. This variant is expected to result in nonsense mediated decay, truncation, or a dysfunctional protein product. This variant is rare in the general population with a frequency below the threshold expected for the associated phenotype(s). Given the available evidence, this variant is classified as Likely Pathogenic.

Labcorp Genetics (formerly Invitae), Labcorp
Classification: Pathogenic for Joubert syndrome; Meckel-Gruber syndrome. Last evaluated: 2024-01-09. Review status: criteria provided, single submitter. Criteria: Invitae Variant Classification Sherloc (09022015). Collection method: clinical testing. Allele origin: germline.
Comment: This sequence change creates a premature translational stop signal (p.Met24Ilefs*25) in the RPGRIP1L gene. It is expected to result in an absent or disrupted protein product. Loss-of-function variants in RPGRIP1L are known to be pathogenic (PMID: 17558409). This variant is not present in population databases (gnomAD no frequency). This variant has not been reported in the literature in individuals affected with RPGRIP1L-related conditions. ClinVar contains an entry for this variant (Variation ID: 1453353). For these reasons, this variant has been classified as Pathogenic.

GeneDx
Classification: Likely pathogenic. Last evaluated: 2023-09-17. Review status: criteria provided, single submitter. Criteria: GeneDx Variant Classification Process June 2021. Collection method: clinical testing. Allele origin: germline. Affected: yes.
Comment: Frameshift variant predicted to result in protein truncation or nonsense mediated decay in a gene for which loss of function is a known mechanism of disease; Not observed at significant frequency in large population cohorts (gnomAD); Has not been previously published as pathogenic or benign to our knowledge

Revvity Omics, Revvity
Classification: Likely pathogenic. Last evaluated: 2022-04-07. Review status: criteria provided, single submitter. Criteria: ACMG Guidelines, 2015. Collection method: clinical testing. Allele origin: germline.

Fulgent Genetics
Classification: Likely pathogenic for Joubert syndrome 7; Meckel syndrome, type 5; COACH syndrome 3. Last evaluated: 2021-12-02. Review status: criteria provided, single submitter. Criteria: ACMG Guidelines, 2015. Collection method: clinical testing. Allele origin: unknown.

PreventionGenetics, part of Exact Sciences
Classification: Likely pathogenic for RPGRIP1L-related condition. Last evaluated: 2024-08-12. Review status: no assertion criteria provided. Collection method: clinical testing. Allele origin: germline. Not counted in ClinVar's aggregate classification.
Comment: The RPGRIP1L c.71dupT variant is predicted to result in a frameshift and premature protein termination (p.Met24Ilefs*25). This variant has not been reported in the literature or in a large population database, indicating it is rare. Frameshift variants in RPGRIP1L are expected to be pathogenic. This variant is interpreted as likely pathogenic.

Literature cited by the submitters: PubMed 17558409 (cited by Labcorp Genetics (formerly Invitae), Labcorp).